The following is an entry in ClinVar:

NM_001386795.1(DTNA):c.140A>G (p.Lys47Arg)

Genes: DTNA (dystrobrevin alpha; plus strand), DTNA-AS1 (DTNA antisense RNA 1; minus strand). Cytogenetic location: 18q12.1.
Variant type: single nucleotide variant.
Coding change: c.140A>G on transcript NM_001386795.1 (MANE Select); coding-DNA position 140, A replaced by G.
Protein change: p.Lys47Arg; replaces lysine 47 with arginine.
Molecular consequence: missense variant.
Genome position (GRCh38, 1-based): chr18:34,766,033, A>G. VCF-style: chr18-34766033-A-G. GRCh37 (hg19) VCF-style: chr18-32345997-A-G.
Other names: c.140A>G (NM_032978.6); c.140A>G, p.Lys47Arg (NM_001128175.2, NM_001198938.2, NM_001386759.1 and 35 more transcripts); short protein forms K47R.
Identifiers: ClinVar variation 918030 (VCV000918030.3), dbSNP rs1298586276, ClinGen allele CA402274725.

ClinVar aggregate classification (germline): Uncertain significance (1 of 4 stars; one submission).

Allele frequency attached by ClinVar (database versions not stated): gnomAD 0.00001 and 0.00002; gnomAD exomes 0.00001 and 0.00002; TOPMed below 0.00001.
gnomAD v4.1: 14 of 1,613,618 alleles (0.00087%); highest among the groups gnomAD compares: South Asian, 0.014%; no homozygotes.

Submission:

Ambry Genetics
Classification: Uncertain significance. Last evaluated: 2025-10-29. Review status: criteria provided, single submitter. Criteria: Ambry Variant Classification Scheme 2023. Collection method: clinical testing. Allele origin: germline.